The following is an entry in ClinVar:

ClinVar aggregate classification (germline): Uncertain significance (1 of 4 stars; one submission).

Conditions:
Autosomal dominant childhood-onset proximal spinal muscular atrophy with contractures (SMALED2A). Also called: SPINAL MUSCULAR ATROPHY, LOWER EXTREMITY-PREDOMINANT, 2A, CHILDHOOD ONSET, AUTOSOMAL DOMINANT; Spinal muscular atrophy, lower extremity-predominant, 2A, autosomal dominant. Identifiers: Orphanet 363447, Orphanet 363454, MedGen C4747715, MONDO:0014121, OMIM 615290.

Submission:

Labcorp Genetics (formerly Invitae), Labcorp
Classification: Uncertain significance for Autosomal dominant childhood-onset proximal spinal muscular atrophy with contractures. Last evaluated: 2023-05-15. Review status: criteria provided, single submitter. Criteria: Invitae Variant Classification Sherloc (09022015). Collection method: clinical testing. Allele origin: germline.
Comment: In summary, the available evidence is currently insufficient to determine the role of this variant in disease. Therefore, it has been classified as a Variant of Uncertain Significance. Advanced modeling of protein sequence and biophysical properties (such as structural, functional, and spatial information, amino acid conservation, physicochemical variation, residue mobility, and thermodynamic stability) performed at Invitae indicates that this missense variant is not expected to disrupt BICD2 protein function. ClinVar contains an entry for this variant (Variation ID: 860417). This variant has not been reported in the literature in individuals affected with BICD2-related conditions. This variant is not present in population databases (gnomAD no frequency). This sequence change replaces cysteine, which is neutral and slightly polar, with tyrosine, which is neutral and polar, at codon 544 of the BICD2 protein (p.Cys544Tyr).

NM_001003800.2(BICD2):c.1631G>A (p.Cys544Tyr)

Gene: BICD2 (BICD cargo adaptor 2; minus strand). Cytogenetic location: 9q22.31.
Variant type: single nucleotide variant.
Coding change: c.1631G>A on transcript NM_001003800.2 (MANE Select); coding-DNA position 1631, G replaced by A.
Protein change: p.Cys544Tyr; replaces cysteine 544 with tyrosine.
Molecular consequence: missense variant.
Genome position (GRCh38, 1-based): chr9:92,719,014, C>T on the plus strand (G>A on the coding strand, the complement: BICD2 is on the minus strand). VCF-style: chr9-92719014-C-T. GRCh37 (hg19) VCF-style: chr9-95481296-C-T.
Other names: c.1631G>A, p.Cys544Tyr (NM_015250.4); short protein forms C544Y.
Identifiers: ClinVar variation 860417 (VCV000860417.10), dbSNP rs1853395351, ClinGen allele CA374036641.